The following is an entry in ClinVar:

ClinVar aggregate classification (germline): Conflicting classifications of pathogenicity. Review status: criteria provided, conflicting classifications (1 of 4 stars). 5 submissions from 5 submitters: Uncertain significance (1); Benign (4). Last evaluated 2026-01-27.

Conditions:
Autosomal recessive nonsyndromic hearing loss 30. Identifiers: Orphanet 90636, MedGen C1846784, MONDO:0011774, OMIM 607101.

Allele frequency attached by ClinVar (database versions not stated): gnomAD 0.00579 and 0.00612; 1000 Genomes Project 0.00659; TOPMed 0.00680; ESP Exome Variant Server 0.00738; 1000 Genomes Project 30x 0.00843.
gnomAD v4.1: 1,747 of 1,612,948 alleles (0.11%); highest among the groups gnomAD compares: African/African-American, 2.1%; 27 homozygotes.

Submissions (5):

Labcorp Genetics (formerly Invitae), Labcorp
Classification: Benign. Last evaluated: 2026-01-27. Review status: criteria provided, single submitter. Criteria: Invitae Variant Classification Sherloc (09022015). Collection method: clinical testing. Allele origin: germline.

GeneDx
Classification: Benign. Last evaluated: 2019-06-07. Review status: criteria provided, single submitter. Criteria: GeneDx Variant Classification Process June 2021. Collection method: clinical testing. Allele origin: germline. Affected: yes.

Athena Diagnostics
Classification: Benign. Last evaluated: 2018-05-25. Review status: criteria provided, single submitter. Criteria: Athena Diagnostics Criteria. Collection method: clinical testing. Allele origin: germline.

Illumina Laboratory Services, Illumina
Classification: Uncertain significance for Autosomal recessive nonsyndromic hearing loss 30. Last evaluated: 2018-01-13. Review status: criteria provided, single submitter. Criteria: ICSL Variant Classification Criteria 13 December 2019. Collection method: clinical testing. Allele origin: germline.

Laboratory for Molecular Medicine, Mass General Brigham Personalized Medicine
Classification: Benign. Last evaluated: 2012-04-30. Review status: criteria provided, single submitter. Criteria: LMM Criteria. Collection method: clinical testing. Allele origin: germline. Observed: 3 variant alleles.
Comment: Phe1136Phe in Exon 30 of MYO3A: This variant is not expected to have clinical si gnificance because it does not alter an amino acid residue, is not located withi n the splice consensus sequence, and has been identified in 2.0% (74/3738) of Af rican American chromosomes from a broad population by the NHLBI Exome Sequencing Project (dbSNP rs61731629).

NM_017433.5(MYO3A):c.3408C>T (p.Phe1136=)

Gene: MYO3A (myosin IIIA; plus strand). Cytogenetic location: 10p12.1.
Variant type: single nucleotide variant.
Coding change: c.3408C>T on transcript NM_017433.5 (MANE Select); coding-DNA position 3408, C replaced by T.
Protein change: p.Phe1136=; no amino-acid change (phenylalanine 1136 retained).
Molecular consequence: synonymous variant.
Genome position (GRCh38, 1-based): chr10:26,173,672, C>T. VCF-style: chr10-26173672-C-T. GRCh37 (hg19) VCF-style: chr10-26462601-C-T.
Identifiers: ClinVar variation 164625 (VCV000164625.19), dbSNP rs61731629, ClinGen allele CA177346.